The following is an entry in ClinVar:

ClinVar aggregate classification (germline): Uncertain significance. Review status: criteria provided, multiple submitters, no conflicts (2 of 4 stars). 4 submissions from 4 submitters: Uncertain significance (4). Last evaluated 2025-07-21.

Conditions:
Emery-Dreifuss muscular dystrophy 4, autosomal dominant (EDMD4). Also called: EMERY-DREIFUSS MUSCULAR DYSTROPHY 4 WITH VARIABLE FEATURES. Identifiers: Orphanet 261, MedGen C2751807, MONDO:0013071, OMIM 612998.
Autosomal recessive ataxia, Beauce type. Also called: ATAXIA, RECESSIVE, OF BEAUCE; Spinocerebellar ataxia, autosomal recessive 8; SYNE1-Related Autosomal Recessive Cerebellar Ataxia; SYNE1 Deficiency. Identifiers: Orphanet 88644, MedGen C1853116, MONDO:0012549, OMIM 610743.
SYNE1-related disorder. Also called: SYNE1-related disorders; SYNE1-related disease; SYNE1-related condition.

Allele frequency attached by ClinVar (database versions not stated): ExAC 0.00001; gnomAD 0.00001; TOPMed 0.00001; ESP Exome Variant Server 0.00008.
gnomAD v4.1: 15 of 1,614,040 alleles (0.00093%); highest among the groups gnomAD compares: Non-Finnish European, 0.0013%; no homozygotes.

Submissions (4):

GeneDx
Classification: Uncertain significance. Last evaluated: 2025-07-21. Review status: criteria provided, single submitter. Criteria: GeneDx Variant Classification Process June 2021. Collection method: clinical testing. Allele origin: germline. Affected: yes.
Comment: In silico analysis supports that this missense variant has a deleterious effect on protein structure/function; Has not been previously published as pathogenic or benign to our knowledge

Women's Health and Genetics/Laboratory Corporation of America, LabCorp
Classification: Uncertain significance. Last evaluated: 2023-11-21. Review status: criteria provided, single submitter. Criteria: LabCorp Variant Classification Summary - May 2015. Collection method: clinical testing. Allele origin: germline.
Comment: Variant summary: SYNE1 c.23786T>C (p.Leu7929Ser) results in a non-conservative amino acid change in the encoded protein sequence. Five of five in-silico tools predict a damaging effect of the variant on protein function. The variant allele was found at a frequency of 2.4e-05 in 251318 control chromosomes. The available data on variant occurrences in the general population are insufficient to allow any conclusion about variant significance. To our knowledge, no occurrence of c.23786T>C in individuals affected with SYNE1-Related Disorders and no experimental evidence demonstrating its impact on protein function have been reported. No submitters have cited clinical-significance assessments for this variant to ClinVar after 2014. Based on the evidence outlined above, the variant was classified as uncertain significance.

PreventionGenetics, part of Exact Sciences
Classification: Uncertain significance for SYNE1-related condition. Last evaluated: 2023-07-13. Review status: criteria provided, single submitter. Criteria: ACMG Guidelines, 2015. Collection method: clinical testing. Allele origin: germline.
Comment: The SYNE1 c.23786T>C variant is predicted to result in the amino acid substitution p.Leu7929Ser. To our knowledge, this variant has not been reported in the literature. This variant is reported in 0.0053% of alleles in individuals of European (Non-Finnish) descent in gnomAD. At this time, the clinical significance of this variant is uncertain due to the absence of conclusive functional and genetic evidence.

Labcorp Genetics (formerly Invitae), Labcorp
Classification: Uncertain significance for Emery-Dreifuss muscular dystrophy 4, autosomal dominant; Autosomal recessive ataxia, Beauce type. Last evaluated: 2022-10-26. Review status: criteria provided, single submitter. Criteria: Invitae Variant Classification Sherloc (09022015). Collection method: clinical testing. Allele origin: germline.
Comment: This sequence change replaces leucine, which is neutral and non-polar, with serine, which is neutral and polar, at codon 7929 of the SYNE1 protein (p.Leu7929Ser). This variant is present in population databases (rs371981571, gnomAD 0.005%). This variant has not been reported in the literature in individuals affected with SYNE1-related conditions. Algorithms developed to predict the effect of missense changes on protein structure and function are either unavailable or do not agree on the potential impact of this missense change (SIFT: "Deleterious"; PolyPhen-2: "Probably Damaging"; Align-GVGD: "Class C0"). In summary, the available evidence is currently insufficient to determine the role of this variant in disease. Therefore, it has been classified as a Variant of Uncertain Significance.

NM_182961.4(SYNE1):c.23999T>C (p.Leu8000Ser)

Gene: SYNE1 (spectrin repeat containing nuclear envelope protein 1; minus strand). Cytogenetic location: 6q25.2.
Variant type: single nucleotide variant.
Coding change: c.23999T>C on transcript NM_182961.4 (MANE Select); coding-DNA position 23999, T replaced by C.
Protein change: p.Leu8000Ser; replaces leucine 8000 with serine.
Molecular consequence: missense variant.
Genome position (GRCh38, 1-based): chr6:152,155,022, A>G on the plus strand (T>C on the coding strand, the complement: SYNE1 is on the minus strand). VCF-style: chr6-152155022-A-G. GRCh37 (hg19) VCF-style: chr6-152476157-A-G.
Other names: c.605T>C, p.Leu202Ser (NM_001347701.2); c.464T>C, p.Leu155Ser (NM_001347702.2); c.23786T>C, p.Leu7929Ser (NM_033071.5); short protein forms L155S, L202S, L7929S, L8000S.
Identifiers: ClinVar variation 2628953 (VCV002628953.6), dbSNP rs371981571, ClinGen allele CA4053277.
Genomic context (GRCh38, chr6:152,155,022, plus strand): 5'-CTTTCTGAAGACTTCAGCCAATCTTCAAAACGTGAATAGTCATCCAGAAATTTCTGCCAC[A>G]ATCGCCACGTCTCTTCGATTCTGGGGCGGAAAATGAAAGAACAGATTCAGATTATTGGAG-3'
Protein context (NP_892006.3, residues 7990-8010): RRLKIEETWR[Leu8000Ser]WQKFLDDYSR